The following is an entry in ClinVar:

NM_000836.4(GRIN2D):c.2698G>C (p.Glu900Gln)

Gene: GRIN2D (glutamate ionotropic receptor NMDA type subunit 2D; plus strand). Cytogenetic location: 19q13.33.
Variant type: single nucleotide variant.
Coding change: c.2698G>C on transcript NM_000836.4 (MANE Select); coding-DNA position 2698, G replaced by C.
Protein change: p.Glu900Gln; replaces glutamic acid 900 with glutamine.
Molecular consequence: missense variant.
Genome position (GRCh38, 1-based): chr19:48,442,624, G>C. VCF-style: chr19-48442624-G-C. GRCh37 (hg19) VCF-style: chr19-48945881-G-C.
Other names: short protein forms E900Q.
Identifiers: ClinVar variation 1698308 (VCV001698308.3), dbSNP rs1043490054, ClinGen allele CA309298797.

ClinVar aggregate classification (germline): Uncertain significance (1 of 4 stars; one submission).

gnomAD v4.1: 3 of 1,499,156 alleles (0.0002%); highest among the groups gnomAD compares: African/African-American, 0.0042%; no homozygotes.

Submission:

GeneDx
Classification: Uncertain significance. Last evaluated: 2026-02-20. Review status: criteria provided, single submitter. Criteria: GeneDx Variant Classification Process June 2021. Collection method: clinical testing. Allele origin: germline.
Comment: Not observed at significant frequency in large population cohorts (gnomAD); In silico analysis suggests that this missense variant does not alter protein structure/function; Has not been previously published as pathogenic or benign to our knowledge